The following is an entry in ClinVar:

ClinVar aggregate classification (germline): Likely pathogenic (1 of 4 stars; one submission).

Submission:

GeneDx
Classification: Likely pathogenic. Last evaluated: 2026-03-13. Review status: criteria provided, single submitter. Criteria: GeneDx Variant Classification Process June 2021. Collection method: clinical testing. Allele origin: germline.
Comment: Frameshift variant predicted to result in abnormal protein length as the last 409 amino acid(s) are replaced with 16 different amino acid(s), and other similar variants have been reported in HGMD; Not observed at significant frequency in large population cohorts (gnomAD); This variant is associated with the following publications: (PMID: 40936200)

NM_001195605.2(ZNF865):c.1951del (p.Ala651fs)

Gene: ZNF865 (zinc finger protein 865; plus strand). Cytogenetic location: 19q13.42.
Variant type: Deletion.
Coding change: c.1951del on transcript NM_001195605.2 (MANE Select); coding-DNA position 1951, one base deleted (G; older notation c.1951delG).
Protein change: p.Ala651fs; shifts the reading frame from alanine 651.
Molecular consequence: frameshift variant.
Genome position (GRCh38, 1-based): chr19:55,615,569, G deleted; the last of 5 consecutive G bases (chr19:55,615,565-55,615,569); deleting any one gives the same sequence. VCF-style (leftmost placement, unchanged base first): chr19-55615564-CG-C. GRCh37 (hg19) VCF-style: chr19-56126930-CG-C.
Other names: short protein forms A651fs.
Identifiers: ClinVar variation 5016954 (VCV005016954.1).